The following is an entry in ClinVar:

NM_018319.4(TDP1):c.1317+11G>A

Gene: TDP1 (tyrosyl-DNA phosphodiesterase 1; plus strand). Cytogenetic location: 14q32.11.
Variant type: single nucleotide variant.
Coding change: c.1317+11G>A on transcript NM_018319.4 (MANE Select); 11 bases into the intron after coding-DNA position 1317, G replaced by A.
Molecular consequence: intron variant.
Genome position (GRCh38, 1-based): chr14:89,989,101, G>A. VCF-style: chr14-89989101-G-A. GRCh37 (hg19) VCF-style: chr14-90455445-G-A.
Other names: c.1317+11G>A (NM_001330205.2, NM_001008744.2).
Identifiers: ClinVar variation 314835 (VCV000314835.6), dbSNP rs36009827, ClinGen allele CA7303896.

ClinVar aggregate classification (germline): Benign/Likely benign. Review status: criteria provided, multiple submitters, no conflicts (2 of 4 stars). 2 submissions from 2 submitters: Benign (1); Likely benign (1). Last evaluated 2024-11-13.

Conditions:
Spinocerebellar ataxia, autosomal recessive, with axonal neuropathy 1 (SCAN1). Identifiers: Orphanet 94124, MedGen C4759870, MONDO:0011801, OMIM 607250.

Allele frequency attached by ClinVar (database versions not stated): 1000 Genomes Project 0.00559; 1000 Genomes Project 30x 0.00687; gnomAD exomes 0.00126; ExAC 0.00154; gnomAD 0.00399 and 0.00423; ESP Exome Variant Server 0.00469; TOPMed 0.00480.
gnomAD v4.1: 1,418 of 1,611,332 alleles (0.088%); highest among the groups gnomAD compares: African/African-American, 1.5%; 6 homozygotes.

Submissions (2):

Blueprint Genetics
Classification: Likely benign. Last evaluated: 2024-11-13. Review status: criteria provided, single submitter. Criteria: ACMG Guidelines, 2015. Collection method: clinical testing. Allele origin: germline.

Illumina Laboratory Services, Illumina
Classification: Benign for Spinocerebellar ataxia, autosomal recessive, with axonal neuropathy 1. Last evaluated: 2018-01-13. Review status: criteria provided, single submitter. Criteria: ICSL Variant Classification Criteria 13 December 2019. Collection method: clinical testing. Allele origin: germline.
Comment: This variant was observed in the ICSL laboratory as part of a predisposition screen in an ostensibly healthy population. It had not been previously curated by ICSL or reported in the Human Gene Mutation Database (HGMD: prior to June 1st, 2018), and was therefore a candidate for classification through an automated scoring system. Utilizing variant allele frequency, disease prevalence and penetrance estimates, and inheritance mode, an automated score was calculated to assess if this variant is too frequent to cause the disease. Based on the score and internal cut-off values, a variant classified as benign is not then subjected to further curation. The score for this variant resulted in a classification of benign for this disease.